The following is an entry in ClinVar:

ClinVar aggregate classification (germline): Uncertain significance (1 of 4 stars; one submission).

Conditions:
Hereditary sensory and autonomic neuropathy type 6. Also called: HSAN VI; Neuropathy, hereditary sensory and autonomic, type VI. Identifiers: Orphanet 314381, MedGen C3539003, MONDO:0013839, OMIM 614653.
Epidermolysis bullosa simplex 3, localized or generalized intermediate, with BP230 deficiency (EBS3). Also called: Epidermolysis bullosa simplex due to BP230 deficiency; Epidermolysis bullosa simplex, autosomal recessive 2. Identifiers: Orphanet 412181, MedGen C3809470, MONDO:0014180, OMIM 615425.

Submission:

Labcorp Genetics (formerly Invitae), Labcorp
Classification: Uncertain significance for Epidermolysis bullosa simplex 3, localized or generalized intermediate, with BP230 deficiency; Hereditary sensory and autonomic neuropathy type 6. Last evaluated: 2022-11-25. Review status: criteria provided, single submitter. Criteria: Invitae Variant Classification Sherloc (09022015). Collection method: clinical testing. Allele origin: germline.
Comment: In summary, the available evidence is currently insufficient to determine the role of this variant in disease. Therefore, it has been classified as a Variant of Uncertain Significance. Variants that disrupt the consensus splice site are a relatively common cause of aberrant splicing (PMID: 17576681, 9536098). Experimental studies and prediction algorithms are not available or were not evaluated, and the effect of this variant on mRNA splicing is currently unknown. This variant has not been reported in the literature in individuals affected with DST-related conditions. This variant is not present in population databases (gnomAD no frequency). This sequence change falls in intron 83 of the DST gene. It does not directly change the encoded amino acid sequence of the DST protein. It affects a nucleotide within the consensus splice site. The DST gene has multiple clinically relevant transcripts. This variant occurs in alternate transcript NM_015548.4, and corresponds to NM_001723.5:c.*155391G>C in the primary transcript.

Literature cited by the submitters: PubMed 17576681; PubMed 9536098.

NM_001374736.1(DST):c.23194+5G>C

Gene: DST (dystonin; minus strand). Cytogenetic location: 6p12.1.
Variant type: single nucleotide variant.
Coding change: c.23194+5G>C on transcript NM_001374736.1 (MANE Select); 5 bases into the intron after coding-DNA position 23194, G replaced by C.
Molecular consequence: intron variant.
Genome position (GRCh38, 1-based): chr6:56,460,126, C>G on the plus strand (G>C on the coding strand, the complement: DST is on the minus strand). VCF-style: chr6-56460126-C-G. GRCh37 (hg19) VCF-style: chr6-56324924-C-G.
Other names: c.16765+5G>C (NM_001144769.5); c.23122+5G>C (NM_001374722.1); c.23149+5G>C (NM_001374734.1); c.16351+5G>C (NM_001144770.2); c.15865+5G>C (NM_001374730.1); c.16213+5G>C (NM_001386100.1); c.16231+5G>C (NM_183380.4); c.22123+5G>C (NM_001374729.1); and 1 more.
Identifiers: ClinVar variation 2153778 (VCV002153778.4), dbSNP rs1383084433, ClinGen allele CA2578653716.